The following is an entry in ClinVar:

ClinVar aggregate classification (germline): Uncertain significance. Review status: criteria provided, multiple submitters, no conflicts (2 of 4 stars). 2 submissions from 2 submitters: Uncertain significance (2). Last evaluated 2024-11-21.

Conditions:
CBS-related disorder. Also called: CBS-related condition.
HYPERHOMOCYSTEINEMIA, THROMBOTIC, CBS-RELATED. Identifiers: MedGen C3150344, OMIM 236200.

Submissions (2):

PreventionGenetics, part of Exact Sciences
Classification: Uncertain significance for CBS-related condition. Last evaluated: 2024-11-21. Review status: criteria provided, single submitter. Criteria: ACMG Guidelines, 2015. Collection method: clinical testing. Allele origin: germline.
Comment: The CBS c.451G>T variant is predicted to result in the amino acid substitution p.Gly151Trp. To our knowledge, this variant has not been reported in the literature. This variant is reported in 0.0062% of alleles in individuals of African descent in gnomAD. At this time, the clinical significance of this variant is uncertain due to the absence of conclusive functional and genetic evidence.

Labcorp Genetics (formerly Invitae), Labcorp
Classification: Uncertain significance for HYPERHOMOCYSTEINEMIA, THROMBOTIC, CBS-RELATED. Last evaluated: 2024-02-10. Review status: criteria provided, single submitter. Criteria: Invitae Variant Classification Sherloc (09022015). Collection method: clinical testing. Allele origin: germline.
Comment: This sequence change replaces glycine, which is neutral and non-polar, with tryptophan, which is neutral and slightly polar, at codon 151 of the CBS protein (p.Gly151Trp). This variant also falls at the last nucleotide of exon 5, which is part of the consensus splice site for this exon. The frequency data for this variant in the population databases is considered unreliable, as metrics indicate poor data quality at this position in the gnomAD database. This variant has not been reported in the literature in individuals affected with CBS-related conditions. ClinVar contains an entry for this variant (Variation ID: 582499). An algorithm developed to predict the effect of missense changes on protein structure and function (PolyPhen-2) suggests that this variant is likely to be disruptive. Variants that disrupt the consensus splice site are a relatively common cause of aberrant splicing (PMID: 17576681, 9536098). Algorithms developed to predict the effect of sequence changes on RNA splicing suggest that this variant may disrupt the consensus splice site. In summary, the available evidence is currently insufficient to determine the role of this variant in disease. Therefore, it has been classified as a Variant of Uncertain Significance.

Literature cited by the submitters: PubMed 17576681 (cited by Labcorp Genetics (formerly Invitae), Labcorp); PubMed 9536098 (cited by Labcorp Genetics (formerly Invitae), Labcorp).

NM_000071.3(CBS):c.451G>T (p.Gly151Trp)

Gene: CBS (cystathionine beta-synthase; minus strand). Cytogenetic location: 21q22.3.
Variant type: single nucleotide variant.
Coding change: c.451G>T on transcript NM_000071.3 (MANE Select); coding-DNA position 451, G replaced by T.
Protein change: p.Gly151Trp; replaces glycine 151 with tryptophan.
Molecular consequence: missense variant.
Genome position (GRCh38, 1-based): chr21:43,066,243, C>A on the plus strand (G>T on the coding strand, the complement: CBS is on the minus strand). VCF-style: chr21-43066243-C-A. GRCh37 (hg19) VCF-style: chr21-44486353-C-A.
Other names: c.451G>T, p.Gly151Trp (NM_001178008.3, NM_001178009.3, NM_001320298.2); c.136G>T, p.Gly46Trp (NM_001321072.1); short protein forms G151W, G46W.
Identifiers: ClinVar variation 582499 (VCV000582499.11), dbSNP rs373782713, ClinGen allele CA321097412.